The following is an entry in ClinVar:

NM_000038.6(APC):c.4678G>A (p.Glu1560Lys)

Gene: APC (APC regulator of Wnt signaling pathway; plus strand). Cytogenetic location: 5q22.2.
Variant type: single nucleotide variant.
Coding change: c.4678G>A on transcript NM_000038.6 (MANE Select); coding-DNA position 4678, G replaced by A.
Protein change: p.Glu1560Lys; replaces glutamic acid 1560 with lysine.
Molecular consequence: missense variant.
Genome position (GRCh38, 1-based): chr5:112,840,272, G>A. VCF-style: chr5-112840272-G-A. GRCh37 (hg19) VCF-style: chr5-112175969-G-A.
Other names: c.4678G>A, p.Glu1560Lys (NM_001127510.3, NM_001354895.2, NM_001407450.1); c.4624G>A, p.Glu1542Lys (NM_001127511.3); c.4732G>A, p.Glu1578Lys (NM_001354896.2, NM_001407447.1, NM_001407448.1 and 1 more transcripts); c.4708G>A, p.Glu1570Lys (NM_001354897.2); c.4603G>A, p.Glu1535Lys (NM_001354898.2); c.4594G>A, p.Glu1532Lys (NM_001354899.2); c.4555G>A, p.Glu1519Lys (NM_001354900.2); c.4501G>A, p.Glu1501Lys (NM_001354901.2, NM_001407453.1); and 11 more; short protein forms E1176K, E1277K, E1400K, E1431K, E1434K, E1459K, E1469K, E1477K.
Identifiers: ClinVar variation 1720459 (VCV001720459.9), dbSNP rs2149920946, ClinGen allele CA16031584.

ClinVar aggregate classification (germline): Uncertain significance. Review status: criteria provided, multiple submitters, no conflicts (2 of 4 stars). 2 submissions from 2 submitters: Uncertain significance (2). Last evaluated 2025-11-24.

Conditions:
Hereditary cancer-predisposing syndrome. Also called: Hereditary neoplastic syndrome; Neoplastic Syndromes, Hereditary; Hereditary Cancer Syndrome; Tumor predisposition. Identifiers: Orphanet 140162, MedGen C0027672, MeSH D009386, MONDO:0015356.
Familial adenomatous polyposis 1 (FAP1). Also called: FAMILIAL ADENOMATOUS POLYPOSIS 1, ATTENUATED; POLYPOSIS, ADENOMATOUS INTESTINAL. Identifiers: MedGen C2713442, MONDO:0021056, OMIM 175100. Disease mechanism: loss of function.

Allele frequency attached by ClinVar (database versions not stated): gnomAD exomes below 0.00001.
gnomAD v4.1: 1 of 1,614,118 alleles (0.000062%); highest among the groups gnomAD compares: Non-Finnish European, 0.000085%; no homozygotes.

Submissions (2):

Ambry Genetics
Classification: Uncertain significance for Hereditary cancer-predisposing syndrome. Last evaluated: 2025-11-24. Review status: criteria provided, single submitter. Criteria: Ambry Variant Classification Scheme 2023. Collection method: clinical testing. Allele origin: germline.
Comment: The p.E1560K variant (also known as c.4678G>A), located in coding exon 15 of the APC gene, results from a G to A substitution at nucleotide position 4678. The glutamic acid at codon 1560 is replaced by lysine, an amino acid with similar properties. This amino acid position is highly conserved in available vertebrate species. In addition, in silico predictors for this gene do not accurately predict pathogenicity. Missense variants in APC are not a common cause of disease (Spier I et al. Genet Med. 2024 Feb;26(2):100992). Based on the available evidence, the clinical significance of this variant remains unclear.

Labcorp Genetics (formerly Invitae), Labcorp
Classification: Uncertain significance for Familial adenomatous polyposis 1. Last evaluated: 2024-09-01. Review status: criteria provided, single submitter. Criteria: Invitae Variant Classification Sherloc (09022015). Collection method: clinical testing. Allele origin: germline.
Comment: This sequence change replaces glutamic acid, which is acidic and polar, with lysine, which is basic and polar, at codon 1560 of the APC protein (p.Glu1560Lys). This variant is not present in population databases (gnomAD no frequency). This variant has not been reported in the literature in individuals affected with APC-related conditions. ClinVar contains an entry for this variant (Variation ID: 1720459). Invitae Evidence Modeling of protein sequence and biophysical properties (such as structural, functional, and spatial information, amino acid conservation, physicochemical variation, residue mobility, and thermodynamic stability) indicates that this missense variant is not expected to disrupt APC protein function with a negative predictive value of 95%. In summary, the available evidence is currently insufficient to determine the role of this variant in disease. Therefore, it has been classified as a Variant of Uncertain Significance.